The following is an entry in ClinVar:

NM_004672.5(MAP3K6):c.1495C>T (p.Arg499Cys)

Gene: MAP3K6 (mitogen-activated protein kinase kinase kinase 6; minus strand). Cytogenetic location: 1p36.11.
Variant type: single nucleotide variant.
Coding change: c.1495C>T on transcript NM_004672.5 (MANE Select); coding-DNA position 1495, C replaced by T.
Protein change: p.Arg499Cys; replaces arginine 499 with cysteine.
Molecular consequence: missense variant.
Genome position (GRCh38, 1-based): chr1:27,361,788, G>A on the plus strand (C>T on the coding strand, the complement: MAP3K6 is on the minus strand). VCF-style: chr1-27361788-G-A. GRCh37 (hg19) VCF-style: chr1-27688279-G-A.
Other names: c.1471C>T, p.Arg491Cys (NM_001297609.2); short protein forms R499C, R491C.
Identifiers: ClinVar variation 775526 (VCV000775526.7), dbSNP rs11247641, ClinGen allele CA713754.
Genomic context (GRCh38, chr1:27,361,788, plus strand): 5'-AGGCTGTCTTGAATGGTTGGCAGGACTGTAGCAAGAAGTGGAGCCAGAAGTGGGCACGGC[G>A]TGGTGGCCCTCCAGGGGGCTCTGGCGTGGGCCTGAAGTGCTGGTAGAGCAGGAAGGTCTC-3'
Protein context (NP_004663.3, residues 489-509): PTPEPPGGPP[Arg499Cys]RAHFWLHFLL

ClinVar aggregate classification (germline): Benign. Review status: criteria provided, multiple submitters, no conflicts (2 of 4 stars). 3 submissions from 3 submitters: Benign (2). 1 of the submissions does not count toward it. Last evaluated 2019-12-31.

Conditions:
MAP3K6-related disorder. Also called: MAP3K6-related condition.

Allele frequency attached by ClinVar (database versions not stated): gnomAD exomes 0.00125 and 0.00302; ExAC 0.00427; gnomAD 0.01254 and 0.01334; 1000 Genomes Project 0.01258; ESP Exome Variant Server 0.01284; TOPMed 0.01352; 1000 Genomes Project 30x 0.01452.
gnomAD v4.1: 3,810 of 1,611,710 alleles (0.24%); highest among the groups gnomAD compares: African/African-American, 4.3%; 90 homozygotes.

Submissions (3):

Labcorp Genetics (formerly Invitae), Labcorp
Classification: Benign. Last evaluated: 2019-12-31. Review status: criteria provided, single submitter. Criteria: Invitae Variant Classification Sherloc (09022015). Collection method: clinical testing. Allele origin: germline.

Breakthrough Genomics
Classification: Benign. Review status: criteria provided, single submitter. Criteria: ACMG Guidelines, 2015. Collection method: not provided. Allele origin: germline. Inheritance: Unknown mechanism. Affected: yes.

PreventionGenetics, part of Exact Sciences
Classification: Benign for MAP3K6-related condition. Last evaluated: 2019-02-21. Review status: no assertion criteria provided. Collection method: clinical testing. Allele origin: germline. Not counted in ClinVar's aggregate classification.
Comment: This variant is classified as benign based on ACMG/AMP sequence variant interpretation guidelines (Richards et al. 2015 PMID: 25741868, with internal and published modifications).